The following is an entry in ClinVar:

ClinVar aggregate classification (germline): Likely benign (0 of 4 stars; one submission).

Conditions:
ARHGEF4-related disorder. Also called: ARHGEF4-related condition.

Allele frequency attached by ClinVar (database versions not stated): ESP Exome Variant Server 0.00054; ExAC 0.00056; gnomAD exomes 0.00058; 1000 Genomes Project 0.00080; TOPMed 0.00085; 1000 Genomes Project 30x 0.00094; gnomAD 0.00084.
gnomAD v4.1: 980 of 1,612,244 alleles (0.061%); highest among the groups gnomAD compares: African/African-American, 0.11%; 1 homozygote.

Submission:

PreventionGenetics, part of Exact Sciences
Classification: Likely benign for ARHGEF4-related condition. Last evaluated: 2019-03-20. Review status: no assertion criteria provided. Collection method: clinical testing. Allele origin: germline.
Comment: This variant is classified as likely benign based on ACMG/AMP sequence variant interpretation guidelines (Richards et al. 2015 PMID: 25741868, with internal and published modifications).

NM_001367493.1(ARHGEF4):c.5506C>T (p.Arg1836Cys)

Gene: ARHGEF4 (Rho guanine nucleotide exchange factor 4; plus strand). Cytogenetic location: 2q21.1.
Variant type: single nucleotide variant.
Coding change: c.5506C>T on transcript NM_001367493.1 (MANE Select); coding-DNA position 5506, C replaced by T.
Protein change: p.Arg1836Cys; replaces arginine 1836 with cysteine.
Molecular consequence: missense variant.
Genome position (GRCh38, 1-based): chr2:131,046,064, C>T. VCF-style: chr2-131046064-C-T. GRCh37 (hg19) VCF-style: chr2-131803637-C-T.
Other names: c.1993C>T, p.Arg665Cys (NM_001375900.1); c.1837C>T, p.Arg613Cys (NM_001375901.1); c.1795C>T, p.Arg599Cys (NM_001375902.1); c.1738C>T, p.Arg580Cys (NM_001375903.1); c.1579C>T, p.Arg527Cys (NM_001375904.1); c.1327C>T, p.Arg443Cys (NM_001395416.1); c.1948C>T, p.Arg650Cys (NM_015320.4); short protein forms R1836C, R443C, R527C, R580C, R599C, R613C, R650C, R665C.
Identifiers: ClinVar variation 3057984 (VCV003057984.2), dbSNP rs61758709, ClinGen allele CA1875513.